The following is an entry in ClinVar:

ClinVar aggregate classification (germline): Uncertain significance (1 of 4 stars; one submission).

Conditions:
Pyruvate dehydrogenase E1-alpha deficiency (PDHAD). Also called: ATAXIA, INTERMITTENT, WITH PYRUVATE DEHYDROGENASE DEFICIENCY; Ataxia, intermittent, with pyruvate dehydrogenase, or decarboxylase, deficiency; ATAXIA WITH LACTIC ACIDOSIS I; ATAXIA, INTERMITTENT, WITH ABNORMAL PYRUVATE METABOLISM. Identifiers: Orphanet 79243, MedGen C1839413, MONDO:0010717, OMIM 312170.

Submission:

Labcorp Genetics (formerly Invitae), Labcorp
Classification: Uncertain significance for Pyruvate dehydrogenase E1-alpha deficiency. Last evaluated: 2024-04-15. Review status: criteria provided, single submitter. Criteria: Invitae Variant Classification Sherloc (09022015). Collection method: clinical testing. Allele origin: germline.
Comment: This sequence change falls in intron 10 of the PDHA1 gene. It does not directly change the encoded amino acid sequence of the PDHA1 protein. It affects a nucleotide within the consensus splice site. This variant is not present in population databases (gnomAD no frequency). This variant has not been reported in the literature in individuals affected with PDHA1-related conditions. Variants that disrupt the consensus splice site are a relatively common cause of aberrant splicing (PMID: 17576681, 9536098). Algorithms developed to predict the effect of sequence changes on RNA splicing suggest that this variant is not likely to affect RNA splicing. In summary, the available evidence is currently insufficient to determine the role of this variant in disease. Therefore, it has been classified as a Variant of Uncertain Significance.

Literature cited by the submitters: PubMed 17576681; PubMed 9536098.

NM_000284.4(PDHA1):c.1008+4C>T

Gene: PDHA1 (pyruvate dehydrogenase E1 subunit alpha 1; plus strand). Cytogenetic location: Xp22.12.
Variant type: single nucleotide variant.
Coding change: c.1008+4C>T on transcript NM_000284.4 (MANE Select); 4 bases into the intron after coding-DNA position 1008, C replaced by T.
Molecular consequence: intron variant.
Genome position (GRCh38, 1-based): chrX:19,359,028, C>T. VCF-style: chrX-19359028-C-T. GRCh37 (hg19) VCF-style: chrX-19377146-C-T.
Other names: c.1122+4C>T (NM_001173454.2); c.1029+4C>T (NM_001173455.2); c.915+4C>T (NM_001173456.2).
Identifiers: ClinVar variation 2992459 (VCV002992459.3), dbSNP rs2518505821, ClinGen allele CA2693251105.